The following is an entry in ClinVar:

NM_021930.6(RINT1):c.25G>T (p.Ala9Ser)

Gene: RINT1 (RAD50 interactor 1; plus strand). Cytogenetic location: 7q22.3.
Variant type: single nucleotide variant.
Coding change: c.25G>T on transcript NM_021930.6 (MANE Select); coding-DNA position 25, G replaced by T.
Protein change: p.Ala9Ser; replaces alanine 9 with serine.
Molecular consequence: missense variant. On other transcripts: 5 prime UTR variant (4), non-coding transcript variant (1).
Genome position (GRCh38, 1-based): chr7:105,532,340, G>T. VCF-style: chr7-105532340-G-T. GRCh37 (hg19) VCF-style: chr7-105172787-G-T.
Other names: c.-73G>T (NM_001346599.2); c.-995G>T (NM_001346600.2); c.-898G>T (NM_001346601.2); c.-518G>T (NM_001346603.2); short protein forms A9S.
Identifiers: ClinVar variation 3789209 (VCV003789209.1).

ClinVar aggregate classification (germline): Uncertain significance (1 of 4 stars; one submission).

Submission:

Ambry Genetics
Classification: Uncertain significance. Last evaluated: 2024-12-13. Review status: criteria provided, single submitter. Criteria: Ambry Variant Classification Scheme 2023. Collection method: clinical testing. Allele origin: germline.
Comment: The p.A9S variant (also known as c.25G>T), located in coding exon 1 of the RINT1 gene, results from a G to T substitution at nucleotide position 25. The alanine at codon 9 is replaced by serine, an amino acid with similar properties. This amino acid position is conserved. In addition, this alteration is predicted to be tolerated by in silico analysis. Based on the available evidence, the clinical significance of this variant remains unclear.